The following is an entry in ClinVar:

ClinVar aggregate classification (germline): Uncertain significance. Review status: criteria provided, multiple submitters, no conflicts (2 of 4 stars). 2 submissions from 2 submitters: Uncertain significance (2). Last evaluated 2025-05-30.

Conditions:
Biotinidase deficiency. Also called: BTD deficiency; Late-onset biotin-responsive multiple carboxylase deficiency; Biotin deficiency. Identifiers: Orphanet 79241, MedGen C0220754, MONDO:0009665, OMIM 253260.

Allele frequency attached by ClinVar (database versions not stated): gnomAD exomes below 0.00001; gnomAD 0.00009; TOPMed 0.00009.
gnomAD v4.1: 22 of 1,611,522 alleles (0.0014%); highest among the groups gnomAD compares: African/African-American, 0.023%; no homozygotes.

Submissions (2):

Mendelics
Classification: Uncertain significance for Biotinidase deficiency. Last evaluated: 2025-05-30. Review status: criteria provided, single submitter. Criteria: Mendelics Assertion Criteria 2017. Collection method: clinical testing. Allele origin: unknown.
Comment: Variant NM_001370658.1(BTD):c.262A>G (p.Ile88Val) has a frequency of 0.00001365 in the GnomAD 4.1.0 database, indicating no homozygotes. At this time, it is interpreted as a variant of unknown significance (VUS) due to the absence of experimental information regarding its clinical impact.

Women's Health and Genetics/Laboratory Corporation of America, LabCorp
Classification: Uncertain significance. Last evaluated: 2024-06-05. Review status: criteria provided, single submitter. Criteria: LabCorp Variant Classification Summary - May 2015. Collection method: clinical testing. Allele origin: germline.
Comment: Variant summary: BTD c.262A>G (p.Ile88Val) results in a conservative amino acid change located in the carbon-nitrogen hydrolase domain (IPR003010) of the encoded protein sequence. Three of five in-silico tools predict a damaging effect of the variant on protein function. The variant allele was found at a frequency of 4e-06 in 249918 control chromosomes. The available data on variant occurrences in the general population are insufficient to allow any conclusion about variant significance. To our knowledge, no occurrence of c.262A>G in individuals affected with Biotinidase Deficiency and no experimental evidence demonstrating its impact on protein function have been reported. ClinVar contains an entry for this variant (Variation ID: 801944). Based on the evidence outlined above, the variant was classified as uncertain significance.

NM_001370658.1(BTD):c.262A>G (p.Ile88Val)

Gene: BTD (biotinidase; plus strand). Cytogenetic location: 3p25.1.
Variant type: single nucleotide variant.
Coding change: c.262A>G on transcript NM_001370658.1 (MANE Select); coding-DNA position 262, A replaced by G.
Protein change: p.Ile88Val; replaces isoleucine 88 with valine.
Molecular consequence: missense variant.
Genome position (GRCh38, 1-based): chr3:15,641,920, A>G. VCF-style: chr3-15641920-A-G. GRCh37 (hg19) VCF-style: chr3-15683427-A-G.
Other names: c.322A>G, p.Ile108Val (NM_000060.4); c.262A>G, p.Ile88Val (NM_001281723.4, NM_001281724.3, NM_001281725.3 and 36 more transcripts); c.325A>G, p.Ile109Val (NM_001407381.1); short protein forms I88V, I109V.
Identifiers: ClinVar variation 801944 (VCV000801944.8), dbSNP rs976185636, ClinGen allele CA70619149.